The following is an entry in ClinVar:

ClinVar aggregate classification (germline): Uncertain significance. Review status: criteria provided, multiple submitters, no conflicts (2 of 4 stars). 3 submissions from 3 submitters: Uncertain significance (3). Last evaluated 2025-09-14.

Conditions:
Inborn genetic diseases. Identifiers: MedGen C0950123, MeSH D030342.
Fanconi anemia (FA). Also called: Fanconi's anemia. Identifiers: Orphanet 84, MedGen C0015625, MeSH D005199, MONDO:0019391.

gnomAD v4.1: 3 of 1,613,670 alleles (0.00019%); highest among the groups gnomAD compares: Admixed American, 0.005%; no homozygotes.

Submissions (3):

Labcorp Genetics (formerly Invitae), Labcorp
Classification: Uncertain significance for Fanconi anemia. Last evaluated: 2025-09-14. Review status: criteria provided, single submitter. Criteria: Invitae Variant Classification Sherloc (09022015). Collection method: clinical testing. Allele origin: germline.
Comment: This sequence change replaces serine, which is neutral and polar, with proline, which is neutral and non-polar, at codon 1618 of the FANCM protein (p.Ser1618Pro). This variant is present in population databases (no rsID available, gnomAD 0.1%). This variant has not been reported in the literature in individuals affected with FANCM-related conditions. ClinVar contains an entry for this variant (Variation ID: 3342795). An algorithm developed to predict the effect of missense changes on protein structure and function (PolyPhen-2) suggests that this variant is likely to be tolerated. In summary, the available evidence is currently insufficient to determine the role of this variant in disease. Therefore, it has been classified as a Variant of Uncertain Significance.

Ambry Genetics
Classification: Uncertain significance for Inborn genetic diseases. Last evaluated: 2024-12-15. Review status: criteria provided, single submitter. Criteria: Ambry Variant Classification Scheme 2023. Collection method: clinical testing. Allele origin: germline.
Comment: The p.S1618P variant (also known as c.4852T>C), located in coding exon 20 of the FANCM gene, results from a T to C substitution at nucleotide position 4852. The serine at codon 1618 is replaced by proline, an amino acid with similar properties. This amino acid position is conserved. In addition, the in silico prediction for this alteration is inconclusive. Based on the available evidence, the clinical significance of this variant remains unclear.

GeneDx
Classification: Uncertain significance. Last evaluated: 2023-09-26. Review status: criteria provided, single submitter. Criteria: GeneDx Variant Classification Process June 2021. Collection method: clinical testing. Allele origin: germline. Affected: yes.
Comment: Not observed at significant frequency in large population cohorts (gnomAD); In silico analysis supports that this missense variant has a deleterious effect on protein structure/function; Has not been previously published as pathogenic or benign to our knowledge

NM_020937.4(FANCM):c.4852T>C (p.Ser1618Pro)

Gene: FANCM (FA complementation group M; plus strand). Cytogenetic location: 14q21.2.
Variant type: single nucleotide variant.
Coding change: c.4852T>C on transcript NM_020937.4 (MANE Select); coding-DNA position 4852, T replaced by C.
Protein change: p.Ser1618Pro; replaces serine 1618 with proline.
Molecular consequence: missense variant.
Genome position (GRCh38, 1-based): chr14:45,188,874, T>C. VCF-style: chr14-45188874-T-C. GRCh37 (hg19) VCF-style: chr14-45658077-T-C.
Other names: c.4774T>C, p.Ser1592Pro (NM_001308133.2); short protein forms S1592P, S1618P.
Identifiers: ClinVar variation 3342795 (VCV003342795.4).